The following is an entry in ClinVar:

ClinVar aggregate classification (germline): Likely benign (1 of 4 stars; one submission).

Submission:

CeGaT Center for Human Genetics Tuebingen
Classification: Likely benign. Last evaluated: 2024-05-01. Review status: criteria provided, single submitter. Criteria: CeGaT Center For Human Genetics Tuebingen Variant Classification Criteria Version 2. Collection method: clinical testing. Allele origin: germline. Affected: yes. Observed: 1 variant allele.
Comment: NDUFB8: PM2:Supporting, BP4, BP7

NM_005004.4(NDUFB8):c.126T>C (p.Pro42=)

Gene: NDUFB8 (NADH:ubiquinone oxidoreductase subunit B8; minus strand). Cytogenetic location: 10q24.31.
Variant type: single nucleotide variant.
Coding change: c.126T>C on transcript NM_005004.4 (MANE Select); coding-DNA position 126, T replaced by C.
Protein change: p.Pro42=; no amino-acid change (proline 42 retained).
Molecular consequence: synonymous variant.
Genome position (GRCh38, 1-based): chr10:100,529,466, A>G on the plus strand (T>C on the coding strand, the complement: NDUFB8 is on the minus strand). VCF-style: chr10-100529466-A-G. GRCh37 (hg19) VCF-style: chr10-102289223-A-G.
Other names: c.126T>C, p.Pro42= (NM_001284367.2); c.33T>C, p.Pro11= (NM_001284368.1).
Identifiers: ClinVar variation 3239555 (VCV003239555.19), dbSNP rs2492931095.